The following is an entry in ClinVar:

ClinVar aggregate classification (germline): Uncertain significance (1 of 4 stars; one submission).

Submission:

Ambry Genetics
Classification: Uncertain significance. Last evaluated: 2023-07-05. Review status: criteria provided, single submitter. Criteria: Ambry Variant Classification Scheme 2023. Collection method: clinical testing. Allele origin: germline.
Comment: The p.A990S variant (also known as c.2968G>T), located in coding exon 1 of the MLH3 gene, results from a G to T substitution at nucleotide position 2968. The alanine at codon 990 is replaced by serine, an amino acid with similar properties. This amino acid position is conserved. In addition, this alteration is predicted to be tolerated by in silico analysis. Since supporting evidence is limited at this time, the clinical significance of this alteration remains unclear.

NM_001040108.2(MLH3):c.2968G>T (p.Ala990Ser)

Gene: MLH3 (mutL homolog 3; minus strand). Cytogenetic location: 14q24.3.
Variant type: single nucleotide variant.
Coding change: c.2968G>T on transcript NM_001040108.2 (MANE Select); coding-DNA position 2968, G replaced by T.
Protein change: p.Ala990Ser; replaces alanine 990 with serine.
Molecular consequence: missense variant.
Genome position (GRCh38, 1-based): chr14:75,046,688, C>A on the plus strand (G>T on the coding strand, the complement: MLH3 is on the minus strand). VCF-style: chr14-75046688-C-A. GRCh37 (hg19) VCF-style: chr14-75513391-C-A.
Other names: c.2968G>T, p.Ala990Ser (NM_014381.3); short protein forms A990S.
Identifiers: ClinVar variation 2623531 (VCV002623531.2), dbSNP rs1306602118, ClinGen allele CA390437177.
Genomic context (GRCh38, chr14:75,046,688, plus strand): 5'-CTACCGGATTCATTAACATTCCACTGGGAGAGTCAAGACTTCCTATCTGTTGTTCTGAGG[C>A]TCTGATAAGAACATCTGAATCTTTACCGGTAACTTTAGAATTATTATAGGGCAATACCAA-3'
Protein context (NP_001035197.1, residues 980-1000): TGKDSDVLIR[Ala990Ser]SEQQIGSLDS